The following is an entry in ClinVar:

NM_014141.6(CNTNAP2):c.1083+133A>G

Gene: CNTNAP2 (contactin associated protein 2; plus strand). Cytogenetic location: 7q35.
Variant type: single nucleotide variant.
Coding change: c.1083+133A>G on transcript NM_014141.6 (MANE Select); 133 bases into the intron after coding-DNA position 1083, A replaced by G.
Molecular consequence: intron variant.
Genome position (GRCh38, 1-based): chr7:147,128,969, A>G. VCF-style: chr7-147128969-A-G. GRCh37 (hg19) VCF-style: chr7-146826061-A-G.
Identifiers: ClinVar variation 679929 (VCV000679929.1), dbSNP rs3807570, ClinGen allele CA15516935.

ClinVar aggregate classification (germline): Benign (1 of 4 stars; one submission).

Allele frequency attached by ClinVar (database versions not stated): TOPMed 0.40356; gnomAD 0.40611 and 0.41715; 1000 Genomes Project 30x 0.47408; 1000 Genomes Project 0.48263.
gnomAD v4.1: 527,455 of 1,141,258 alleles (46%); highest among the groups gnomAD compares: East Asian, 65%; 125,758 homozygotes.

Submission:

GeneDx
Classification: Benign. Last evaluated: 2018-06-14. Review status: criteria provided, single submitter. Criteria: GeneDx Variant Classification (06012015). Collection method: clinical testing. Allele origin: germline. Affected: yes.
Comment: This variant is considered likely benign or benign based on one or more of the following criteria: it is a conservative change, it occurs at a poorly conserved position in the protein, it is predicted to be benign by multiple in silico algorithms, and/or has population frequency not consistent with disease.